The following is an entry in ClinVar:

ClinVar aggregate classification (germline): Pathogenic. Review status: reviewed by expert panel (3 of 4 stars). 14 submissions from 14 submitters: Pathogenic (1). 13 of the submissions do not count toward it. Last evaluated 2018-08-10.

Conditions:
Phenylketonuria (PKU). Also called: FOLLING DISEASE; Phenylketonurias; OLIGOPHRENIA PHENYLPYRUVICA; Phenylketonuria (PKU). Identifiers: Orphanet 716, MedGen C0031485, MONDO:0009861, OMIM 261600. Disease mechanism: loss of function.

Submissions (14):

ClinGen PAH Variant Curation Expert Panel
Classification: Pathogenic for Phenylketonuria. Last evaluated: 2018-08-10. Review status: reviewed by expert panel. Criteria: ClinGen PAH ACMG Specifications v1. Collection method: curation. Allele origin: germline. Inheritance: Autosomal recessive inheritance.
Comment: PAH-specific ACMG/AMP criteria applied: PM2: ExAC:8.238e-06; gnomAD:0.000004062; 1000G + ESP: absent; PVS1: Null variant- frameshift. Subject to nonsense mediated decay.; PM3: found in trans with L48S (VarID608, Pathogenic) (PMID:8535445); BH4 deficiency not ruled out. (PMID:8535445). In summary this variant meets criteria to be classified as pathogenic for phenylketonuria in an autosomal recessive manner based on the ACMG/AMP criteria applied as specified by the PAH Expert Panel: (PM2, PVS1, PM3, PP4).

CeGaT Center for Human Genetics Tuebingen
Classification: Pathogenic. Last evaluated: 2026-02-01. Review status: criteria provided, single submitter. Criteria: CeGaT Center For Human Genetics Tuebingen Variant Classification Criteria Version 2. Collection method: clinical testing. Allele origin: germline. Affected: yes. Observed: 2 variant alleles. Not counted in ClinVar's aggregate classification.
Comment: PAH: PM3:Very Strong, PVS1, PM2, PP4:Moderate

Labcorp Genetics (formerly Invitae), Labcorp
Classification: Pathogenic for Phenylketonuria. Last evaluated: 2025-06-15. Review status: criteria provided, single submitter. Criteria: Invitae Variant Classification Sherloc (09022015). Collection method: clinical testing. Allele origin: germline. Not counted in ClinVar's aggregate classification.
Comment: This sequence change creates a premature translational stop signal (p.Ser16*) in the PAH gene. It is expected to result in an absent or disrupted protein product. Loss-of-function variants in PAH are known to be pathogenic (PMID: 1301187, 9634518). This variant is present in population databases (rs62642906, gnomAD 0.0009%). This premature translational stop signal has been observed in individuals with hyperphenylalaninemia and phenylketonuria (PMID: 8535445, 10394930, 16198137, 17096675, 21147011, 21890392, 26322415). This variant is also known as c.44_45delTC, p.Ser16fs. ClinVar contains an entry for this variant (Variation ID: 102696). Algorithms developed to predict the effect of sequence changes on RNA splicing suggest that this variant may disrupt the consensus splice site. For these reasons, this variant has been classified as Pathogenic.

Clinical Genetics Laboratory, University Hospital Schleswig-Holstein
Classification: Pathogenic for Phenylketonuria. Last evaluated: 2025-04-08. Review status: criteria provided, single submitter. Criteria: ACMG Guidelines, 2015. Collection method: clinical testing. Allele origin: paternal. Affected: yes. Observed: 1 compound heterozygote. Not counted in ClinVar's aggregate classification.
Comment: ACMG criteria applied: PM2, PVS1, PM3,PP4

Baylor Genetics
Classification: Pathogenic for Phenylketonuria. Last evaluated: 2023-12-26. Review status: criteria provided, single submitter. Criteria: ACMG Guidelines, 2015. Collection method: clinical testing. Allele origin: unknown. Not counted in ClinVar's aggregate classification.

GeneDx
Classification: Pathogenic. Last evaluated: 2023-07-16. Review status: criteria provided, single submitter. Criteria: GeneDx Variant Classification Process June 2021. Collection method: clinical testing. Allele origin: germline. Affected: yes. Not counted in ClinVar's aggregate classification.
Comment: Nonsense variant predicted to result in protein truncation or nonsense mediated decay in a gene for which loss of function is a known mechanism of disease; Not observed at significant frequency in large population cohorts (gnomAD); This variant is associated with the following publications: (PMID: 21890392, 12655550, 12655553, 23357515, 8535445, 19444284, 16879198, 23430918, 17935162, 23430547, 21147011, 19062537, 10394930, 31589614, 29499199, 32668217, 35405047)

Women's Health and Genetics/Laboratory Corporation of America, LabCorp
Classification: Pathogenic for Phenylketonuria. Last evaluated: 2019-03-25. Review status: criteria provided, single submitter. Criteria: LabCorp Variant Classification Summary - May 2015. Collection method: clinical testing. Allele origin: germline. Not counted in ClinVar's aggregate classification.
Comment: Variant summary: PAH c.47_48delCT (p.Ser16X) results in a premature termination codon, predicted to cause a truncation of the encoded protein or absence of the protein due to nonsense mediated decay, which are commonly known mechanisms for disease. Truncations downstream of this position have been classified as pathogenic by our laboratory (c.165delT, p.Phe55fsX6; c.331C>T, p.Arg111X; c.556delA, p.Thr186fsX9). The variant allele was found at a frequency of 4.1e-06 in 246214 control chromosomes (gnomAD). This variant has been reported in the literature in multiple individuals affected with Phenylalanine Hydroxylase Deficiency (Aldamiz-Echevarria_2016, Ramus_1995, Tao_2015, Trunzo_2015, Wang_2017). These data indicate that the variant is very likely to be associated with disease. In vitro expression experiment reports that PAH residual activity for this variant effect results in <10% of normal activity (Aldamiz-Echevarria_2016). Three ClinVar submissions from clinical diagnostic laboratories (evaluation after 2014) cite the variant as likely pathogenic/pathogenic. Based on the evidence outlined above, the variant was classified as pathogenic.

Eurofins Ntd Llc (ga)
Classification: Pathogenic. Last evaluated: 2014-04-02. Review status: criteria provided, single submitter. Criteria: EGL Classification Definitions 2015. Collection method: clinical testing. Allele origin: germline. Observed: 1 variant allele, 1 heterozygote. Not counted in ClinVar's aggregate classification.

Juno Genomics, Hangzhou Juno Genomics, Inc
Classification: Pathogenic for Phenylketonuria. Review status: criteria provided, single submitter. Criteria: ACMG Guidelines, 2015. Collection method: clinical testing. Allele origin: germline. Affected: yes. Not counted in ClinVar's aggregate classification.
Comment: Absent from controls (or at extremely low frequency if recessive) in Genome Aggregation Database, Exome Sequencing Project, 1000 Genomes Project, or Exome Aggregation Consortium.;Null variant in a gene where loss of function (LOF) is a known mechanism of disease.;For recessive disorders, detected in trans with a pathogenic variant.

Zotz-Klimas Genetics Lab, MVZ Zotz Klimas
Classification: Pathogenic for Phenylketonuria. Last evaluated: 2023-10-30. Review status: no assertion criteria provided. Collection method: clinical testing. Allele origin: germline. Affected: yes. Not counted in ClinVar's aggregate classification.

Natera, Inc.
Classification: Pathogenic for Phenylketonuria. Last evaluated: 2020-09-16. Review status: no assertion criteria provided. Collection method: clinical testing. Allele origin: germline. Not counted in ClinVar's aggregate classification.

Counsyl
Classification: Likely pathogenic for Phenylketonuria. Last evaluated: 2015-01-26. Review status: no assertion criteria provided. Collection method: literature only. Allele origin: unknown. Inheritance: Autosomal recessive inheritance. Not counted in ClinVar's aggregate classification.

DeBelle Laboratory for Biochemical Genetics, MUHC/MCH RESEARCH INSTITUTE
No classification provided. Review status: no classification provided. Collection method: not provided. Allele origin: not provided. Not counted in ClinVar's aggregate classification.

Neonatal Disease Screening Center, Medical Genetics Center, Huaihua City Maternal and Child Health Care Hospital
Classification: Pathogenic for Phenylketonuria. Review status: no assertion criteria provided. Criteria: ACMG Guidelines, 2015. Collection method: clinical testing. Allele origin: germline. Affected: yes. Observed: 1 variant allele. Not counted in ClinVar's aggregate classification.
Comment: PVS1+PM2+PM3_S+PP4_M

Literature cited by the submitters: PubMed 8535445 (cited by 4 submitters); PubMed 1301187 (cited by Labcorp Genetics (formerly Invitae), Labcorp); PubMed 9634518 (cited by Labcorp Genetics (formerly Invitae), Labcorp); PubMed 10394930 (cited by Labcorp Genetics (formerly Invitae), Labcorp and Counsyl); PubMed 16198137 (cited by Labcorp Genetics (formerly Invitae), Labcorp); PubMed 17096675 (cited by Labcorp Genetics (formerly Invitae), Labcorp); PubMed 21147011 (cited by Labcorp Genetics (formerly Invitae), Labcorp and Counsyl); PubMed 21890392 (cited by Labcorp Genetics (formerly Invitae), Labcorp); PubMed 26322415 (cited by Labcorp Genetics (formerly Invitae), Labcorp and Women's Health and Genetics/Laboratory Corporation of America, LabCorp); PubMed 26210745 (cited by Women's Health and Genetics/Laboratory Corporation of America, LabCorp); PubMed 7726156 (cited by Women's Health and Genetics/Laboratory Corporation of America, LabCorp); PubMed 29176022 (cited by Women's Health and Genetics/Laboratory Corporation of America, LabCorp); PubMed 19444284 (cited by Counsyl); PubMed 17935162 (cited by Counsyl); PubMed 12655553 (cited by Counsyl); PubMed 12655550 (cited by Counsyl); PubMed 23430547 (cited by Counsyl); PubMed 16879198 (cited by Counsyl); PubMed 19062537 (cited by Counsyl); PubMed 23357515 (cited by Counsyl).

NM_000277.3(PAH):c.47_48del (p.Leu15_Ser16insTer)

Gene: PAH (phenylalanine hydroxylase; minus strand). Cytogenetic location: 12q23.2.
Variant type: Microsatellite.
Coding change: c.47_48del on transcript NM_000277.3 (MANE Select); coding-DNA positions 47 to 48, 2 bases deleted (CT; older notation c.47_48delCT).
Protein change: p.Leu15_Ser16insTer.
Molecular consequence: nonsense.
Genome position (GRCh38, 1-based): chr12:102,917,083-102,917,084, AG deleted on the plus strand (CT on the coding strand, the reverse complement: PAH is on the minus strand); deleting any 2 consecutive bases within chr12:102,917,083-102,917,088 gives the same sequence; the c. name uses the placement nearest the transcript's 3' end. VCF-style (leftmost placement, unchanged base first): chr12-102917082-CAG-C. GRCh37 (hg19) VCF-style: chr12-103310860-CAG-C.
Other names: NM_000277.2(PAH):c.47_48delCT; c.47_48del, p.Leu15_Ser16insTer (NM_001354304.2); c.47_48del (NM_000277.1); c.47_48delCT (NM_000277.3).
Identifiers: ClinVar variation 102696 (VCV000102696.30), dbSNP rs62642906, ClinGen allele CA229574.
Genomic context (GRCh38, chr12:102,917,082, plus strand): 5'-TGGAGGCCCAAATTCCCCTAACTGAGCAGCTCAGGCTGCCGTGGCTCACCTGTCCAAAGT[CAG>C]AGAGTTTCCTGCCCAAGCCTGGGTTTTCCAGGACCGCAGTGGACATGCTGGCTCCCCGGG-3'